The following is an entry in ClinVar:

ClinVar aggregate classification (germline): Uncertain significance. Review status: criteria provided, multiple submitters, no conflicts (2 of 4 stars). 2 submissions from 2 submitters: Uncertain significance (2). Last evaluated 2023-10-02.

Conditions:
Myopia 2, autosomal dominant. Also called: MYP2. Identifiers: MedGen C1834531, MONDO:0008053, OMIM 160700.
Myopia 28, autosomal recessive (MYP28). Identifiers: MedGen C5676935, MONDO:0030697, OMIM 619781.
Autosomal recessive Stickler syndrome. Identifiers: Orphanet 250984, MedGen C5439212, MONDO:0016647.

Submissions (2):

Ambry Genetics
Classification: Uncertain significance. Last evaluated: 2023-10-02. Review status: criteria provided, single submitter. Criteria: Ambry Variant Classification Scheme 2023. Collection method: clinical testing. Allele origin: germline.

Labcorp Genetics (formerly Invitae), Labcorp
Classification: Uncertain significance. Last evaluated: 2022-07-30. Review status: criteria provided, single submitter. Criteria: Invitae Variant Classification Sherloc (09022015). Collection method: clinical testing. Allele origin: germline.
Comment: In summary, the available evidence is currently insufficient to determine the role of this variant in disease. Therefore, it has been classified as a Variant of Uncertain Significance. Algorithms developed to predict the effect of missense changes on protein structure and function are either unavailable or do not agree on the potential impact of this missense change (SIFT: "Deleterious"; PolyPhen-2: "Benign"; Align-GVGD: "Class C25"). This variant has not been reported in the literature in individuals affected with LOXL3-related conditions. This variant is not present in population databases (gnomAD no frequency). This sequence change replaces glutamine, which is neutral and polar, with glutamic acid, which is acidic and polar, at codon 472 of the LOXL3 protein (p.Gln472Glu).

NM_032603.5(LOXL3):c.1414C>G (p.Gln472Glu)

Gene: LOXL3 (lysyl oxidase like 3; minus strand). Cytogenetic location: 2p13.1.
Variant type: single nucleotide variant.
Coding change: c.1414C>G on transcript NM_032603.5 (MANE Select); coding-DNA position 1414, C replaced by G.
Protein change: p.Gln472Glu; replaces glutamine 472 with glutamic acid.
Molecular consequence: missense variant.
Genome position (GRCh38, 1-based): chr2:74,535,590, G>C on the plus strand (C>G on the coding strand, the complement: LOXL3 is on the minus strand). VCF-style: chr2-74535590-G-C. GRCh37 (hg19) VCF-style: chr2-74762717-G-C.
Other names: c.979C>G, p.Gln327Glu (NM_001289164.3); c.331C>G, p.Gln111Glu (NM_001289165.2); c.1414C>G (NM_032603.2, NM_032603.3); short protein forms Q111E, Q327E, Q472E.
Identifiers: ClinVar variation 1995785 (VCV001995785.6), dbSNP rs2529939856, ClinGen allele CA347387819.
Genomic context (GRCh38, chr2:74,535,590, plus strand): 5'-CTGCCCAAAACACAGGCTTTGAGACAACAGCCTCGGCTCCCCTTTCCTTCCCACTCACCT[G>C]CAGGCCGTGGTTGGCGTAGCCCAGACCCAGTTGCCTACAGGCCACCATGGCCTCCAGGGT-3'
Protein context (NP_115992.1, residues 462-482): LGLGYANHGL[Gln472Glu]ETWYWDSGNI